The following is an entry in ClinVar:

NM_031407.7(HUWE1):c.464A>G (p.Lys155Arg)

Gene: HUWE1 (HECT, UBA and WWE domain containing E3 ubiquitin protein ligase 1; minus strand). Cytogenetic location: Xp11.22.
Variant type: single nucleotide variant.
Coding change: c.464A>G on transcript NM_031407.7 (MANE Select); coding-DNA position 464, A replaced by G.
Protein change: p.Lys155Arg; replaces lysine 155 with arginine.
Molecular consequence: missense variant.
Genome position (GRCh38, 1-based): chrX:53,645,351, T>C on the plus strand (A>G on the coding strand, the complement: HUWE1 is on the minus strand). VCF-style: chrX-53645351-T-C. GRCh37 (hg19) VCF-style: chrX-53672303-T-C.
Other names: short protein forms K155R.
Identifiers: ClinVar variation 2228268 (VCV002228268.3), dbSNP rs1557034751, ClinGen allele CA413163673.

ClinVar aggregate classification (germline): Uncertain significance. Review status: criteria provided, multiple submitters, no conflicts (2 of 4 stars). 2 submissions from 2 submitters: Uncertain significance (2). Last evaluated 2024-01-29.

Conditions:
Inborn genetic diseases. Identifiers: MedGen C0950123, MeSH D030342.

Allele frequency attached by ClinVar (database versions not stated): TOPMed 0.00001.

Submissions (2):

GeneDx
Classification: Uncertain significance. Last evaluated: 2024-01-29. Review status: criteria provided, single submitter. Criteria: GeneDx Variant Classification Process June 2021. Collection method: clinical testing. Allele origin: germline. Affected: yes.
Comment: Not observed at significant frequency in large population cohorts (gnomAD); In silico analysis supports that this missense variant does not alter protein structure/function; Has not been previously published as pathogenic or benign to our knowledge

Ambry Genetics
Classification: Uncertain significance for Inborn genetic diseases. Last evaluated: 2020-11-24. Review status: criteria provided, single submitter. Criteria: Ambry Variant Classification Scheme 2023. Collection method: clinical testing. Allele origin: germline.
Comment: The c.464A>G (p.K155R) alteration is located in exon 7 (coding exon 4) of the HUWE1 gene. This alteration results from a A to G substitution at nucleotide position 464, causing the lysine (K) at amino acid position 155 to be replaced by an arginine (R). The p.K155R alteration is predicted to be tolerated by in silico analysis. Based on insufficient or conflicting evidence, the clinical significance of this alteration remains unclear.